The following is an entry in ClinVar:

ClinVar aggregate classification (germline): Uncertain significance (1 of 4 stars; one submission).

Conditions:
Ataxia-telangiectasia syndrome (AT). Also called: LOUIS-BAR SYNDROME; AT, COMPLEMENTATION GROUP C; ATAXIA-TELANGIECTASIA, COMPLEMENTATION GROUP A; ATAXIA-TELANGIECTASIA, FRESNO VARIANT; Ataxia-telangiectasia; Cerebello-oculocutaneous telangiectasia. Identifiers: Orphanet 100, MedGen C0004135, MONDO:0008840, OMIM 208900.

Allele frequency attached by ClinVar (database versions not stated): ExAC 0.00001.
gnomAD v4.1: 1 of 1,613,328 alleles (0.000062%); highest among the groups gnomAD compares: Non-Finnish European, 0.000085%; no homozygotes.

Submission:

Labcorp Genetics (formerly Invitae), Labcorp
Classification: Uncertain significance for Ataxia-telangiectasia syndrome. Last evaluated: 2023-08-18. Review status: criteria provided, single submitter. Criteria: Invitae Variant Classification Sherloc (09022015). Collection method: clinical testing. Allele origin: germline.
Comment: This variant has not been reported in the literature in individuals affected with ATM-related conditions. This sequence change replaces phenylalanine, which is neutral and non-polar, with leucine, which is neutral and non-polar, at codon 1877 of the ATM protein (p.Phe1877Leu). This variant is not present in population databases (gnomAD no frequency). Algorithms developed to predict the effect of missense changes on protein structure and function output the following: SIFT: "Not Available"; PolyPhen-2: "Benign"; Align-GVGD: "Not Available". The leucine amino acid residue is found in multiple mammalian species, which suggests that this missense change does not adversely affect protein function. In summary, the available evidence is currently insufficient to determine the role of this variant in disease. Therefore, it has been classified as a Variant of Uncertain Significance.

NM_000051.4(ATM):c.5631C>A (p.Phe1877Leu)

Gene: ATM (ATM serine/threonine kinase; plus strand). Cytogenetic location: 11q22.3.
Variant type: single nucleotide variant.
Coding change: c.5631C>A on transcript NM_000051.4 (MANE Select); coding-DNA position 5631, C replaced by A.
Protein change: p.Phe1877Leu; replaces phenylalanine 1877 with leucine.
Molecular consequence: missense variant.
Genome position (GRCh38, 1-based): chr11:108,304,809, C>A. VCF-style: chr11-108304809-C-A. GRCh37 (hg19) VCF-style: chr11-108175536-C-A.
Other names: c.5631C>A, p.Phe1877Leu (NM_001351834.2); short protein forms F1877L.
Identifiers: ClinVar variation 2753768 (VCV002753768.3), dbSNP rs751327903, ClinGen allele CA6265740.